The following is an entry in ClinVar:

ClinVar aggregate classification (germline): Uncertain significance. Review status: criteria provided, multiple submitters, no conflicts (2 of 4 stars). 5 submissions from 5 submitters: Uncertain significance (5). Last evaluated 2025-11-26.

Conditions:
Familial thoracic aortic aneurysm and aortic dissection (TAAD). Also called: Thoracic aortic aneurysms and dissections. Identifiers: Orphanet 91387, MedGen C4707243, MONDO:0019625.
Aortic aneurysm, familial thoracic 4 (AAT4). Also called: AORTIC ANEURYSM/AORTIC DISSECTION AND PATENT DUCTUS ARTERIOSUS. Identifiers: MedGen C1851504, MONDO:0007568, OMIM 132900.

Allele frequency attached by ClinVar (database versions not stated): gnomAD exomes 0.00001; ExAC 0.00002; gnomAD 0.00002; TOPMed 0.00003; ESP Exome Variant Server 0.00015.
gnomAD v4.1: 23 of 1,613,566 alleles (0.0014%); highest among the groups gnomAD compares: African/African-American, 0.0027%; no homozygotes.

Submissions (5):

Labcorp Genetics (formerly Invitae), Labcorp
Classification: Uncertain significance for Aortic aneurysm, familial thoracic 4. Last evaluated: 2025-11-26. Review status: criteria provided, single submitter. Criteria: Invitae Variant Classification Sherloc (09022015). Collection method: clinical testing. Allele origin: germline.
Comment: This sequence change replaces lysine, which is basic and polar, with glutamic acid, which is acidic and polar, at codon 1095 of the MYH11 protein (p.Lys1095Glu). This variant is present in population databases (rs375643160, gnomAD 0.007%). This variant has not been reported in the literature in individuals affected with MYH11-related conditions. ClinVar contains an entry for this variant (Variation ID: 918444). Invitae Evidence Modeling of protein sequence and biophysical properties (such as structural, functional, and spatial information, amino acid conservation, physicochemical variation, residue mobility, and thermodynamic stability) indicates that this missense variant is not expected to disrupt MYH11 protein function with a negative predictive value of 95%. In summary, the available evidence is currently insufficient to determine the role of this variant in disease. Therefore, it has been classified as a Variant of Uncertain Significance.

GeneDx
Classification: Uncertain significance. Last evaluated: 2024-12-08. Review status: criteria provided, single submitter. Criteria: GeneDx Variant Classification Process June 2021. Collection method: clinical testing. Allele origin: germline. Affected: yes.
Comment: Not observed at significant frequency in large population cohorts (gnomAD); In silico analysis supports that this missense variant has a deleterious effect on protein structure/function; Has not been previously published as pathogenic or benign to our knowledge

Color Diagnostics, LLC DBA Color Health
Classification: Uncertain significance for Familial thoracic aortic aneurysm and aortic dissection. Last evaluated: 2024-03-06. Review status: criteria provided, single submitter. Criteria: ACMG Guidelines, 2015. Collection method: clinical testing. Allele origin: germline.
Comment: This missense variant replaces lysine with glutamic acid at codon 1095 of the MYH11 protein. Computational prediction suggests that this variant may have deleterious impact on protein structure and function (internally defined REVEL score threshold >= 0.7, PMID: 27666373). To our knowledge, functional studies have not been reported for this variant. This variant has not been reported in individuals affected with cardiovascular disorders in the literature. This variant has been identified in 2/251146 chromosomes in the general population by the Genome Aggregation Database (gnomAD). The available evidence is insufficient to determine the role of this variant in disease conclusively. Therefore, this variant is classified as a Variant of Uncertain Significance.

Ambry Genetics
Classification: Uncertain significance for Familial thoracic aortic aneurysm and aortic dissection. Last evaluated: 2022-10-17. Review status: criteria provided, single submitter. Criteria: Ambry Variant Classification Scheme 2023. Collection method: clinical testing. Allele origin: germline.
Comment: The p.K1088E variant (also known as c.3262A>G), located in coding exon 24 of the MYH11 gene, results from an A to G substitution at nucleotide position 3262. The lysine at codon 1088 is replaced by glutamic acid, an amino acid with similar properties. This amino acid position is conserved. In addition, the in silico prediction for this alteration is inconclusive. Since supporting evidence is limited at this time, the clinical significance of this alteration remains unclear.

AiLife Diagnostics
Classification: Uncertain significance. Last evaluated: 2021-12-27. Review status: criteria provided, single submitter. Criteria: ACMG Guidelines, 2015. Collection method: clinical testing. Allele origin: germline. Affected: yes. Observed: 1 variant allele.

NM_002474.3(MYH11):c.3262A>G (p.Lys1088Glu)

Gene: MYH11 (myosin heavy chain 11; minus strand). Cytogenetic location: 16p13.11.
Variant type: single nucleotide variant.
Coding change: c.3262A>G on transcript NM_002474.3 (MANE Select); coding-DNA position 3262, A replaced by G.
Protein change: p.Lys1088Glu; replaces lysine 1088 with glutamic acid.
Molecular consequence: missense variant.
Genome position (GRCh38, 1-based): chr16:15,737,480, T>C on the plus strand (A>G on the coding strand, the complement: MYH11 is on the minus strand). VCF-style: chr16-15737480-T-C. GRCh37 (hg19) VCF-style: chr16-15831337-T-C.
Other names: c.3283A>G, p.Lys1095Glu (NM_001040113.2, NM_001040114.2); c.3262A>G, p.Lys1088Glu (NM_022844.3); short protein forms K1095E, K1088E.
Identifiers: ClinVar variation 918444 (VCV000918444.13), dbSNP rs375643160, ClinGen allele CA7922050.